The following is an entry in ClinVar:

ClinVar aggregate classification (germline): Pathogenic (1 of 4 stars; one submission).

Conditions:
Autosomal recessive limb-girdle muscular dystrophy. Identifiers: Orphanet 102015, MedGen C2931907, MONDO:0015152.

Submission:

Myriad Genetics, Inc.
Classification: Pathogenic for Autosomal recessive limb-girdle muscular dystrophy. Last evaluated: 2024-01-05. Review status: criteria provided, single submitter. Criteria: Myriad Autosomal Dominant, Autosomal Recessive and X-Linked Classification Criteria (2023). Collection method: clinical testing. Allele origin: unknown.
Comment: NM_003494.3(DYSF):c.5428dupA(R1810Kfs*18) is expected to be pathogenic in the context of dysferlinopathy. This variant is predicted to lead to an abnormal or absent protein product due to the creation of a premature termination codon in DYSF, a gene where loss-of-function variants are known to be pathogenic. Please note: this variant was assessed in the context of healthy population screening.

NM_001130987.2(DYSF):c.5545dup (p.Arg1849fs)

Gene: DYSF (dysferlin; plus strand). Cytogenetic location: 2p13.2.
Variant type: Duplication.
Coding change: c.5545dup on transcript NM_001130987.2 (MANE Select); coding-DNA position 5545, one base duplicated (A; older notation c.5545dupA).
Protein change: p.Arg1849fs; shifts the reading frame from arginine 1849.
Molecular consequence: frameshift variant.
Genome position (GRCh38, 1-based): chr2:71,668,841, A duplicated; the last of 2 consecutive A bases (chr2:71,668,840-71,668,841); duplicating either gives the same sequence. VCF-style (leftmost placement, unchanged base first): chr2-71668839-G-GA. GRCh37 (hg19) VCF-style: chr2-71895969-G-GA.
Other names: c.5431dup, p.Arg1811fs (NM_001130455.2); c.5386dup, p.Arg1796fs (NM_001130976.2); c.5449dup, p.Arg1817fs (NM_001130977.2); c.5491dup, p.Arg1831fs (NM_001130978.2); c.5521dup, p.Arg1841fs (NM_001130979.2); c.5479dup, p.Arg1827fs (NM_001130980.2); c.5542dup, p.Arg1848fs (NM_001130981.2); c.5524dup, p.Arg1842fs (NM_001130982.2); and 5 more; short protein forms R1796fs, R1797fs, R1810fs, R1811fs, R1817fs, R1818fs, R1827fs, R1828fs.
Identifiers: ClinVar variation 5012631 (VCV005012631.1).